The following is an entry in ClinVar:

ClinVar aggregate classification (germline): Uncertain significance. Review status: criteria provided, single submitter (1 of 4 stars). 2 submissions from 2 submitters: Uncertain significance (1). 1 of the submissions does not count toward it. Last evaluated 2022-05-15.

Conditions:
Neu-Laxova syndrome 2. Identifiers: Orphanet 2671, Orphanet 583602, MedGen C4015019, MONDO:0014466, OMIM 616038.

Allele frequency attached by ClinVar (database versions not stated): TOPMed 0.00002.

Submissions (2):

Labcorp Genetics (formerly Invitae), Labcorp
Classification: Uncertain significance for Neu-Laxova syndrome 2. Last evaluated: 2022-05-15. Review status: criteria provided, single submitter. Criteria: Invitae Variant Classification Sherloc (09022015). Collection method: clinical testing. Allele origin: germline.
Comment: This sequence change replaces alanine, which is neutral and non-polar, with serine, which is neutral and polar, at codon 112 of the PSAT1 protein (p.Ala112Ser). This variant is present in population databases (rs753859574, gnomAD 0.009%). This variant has not been reported in the literature in individuals affected with PSAT1-related conditions. ClinVar contains an entry for this variant (Variation ID: 976940). Algorithms developed to predict the effect of missense changes on protein structure and function are either unavailable or do not agree on the potential impact of this missense change (SIFT: "Tolerated"; PolyPhen-2: "Probably Damaging"; Align-GVGD: "Class C0"). Experimental studies have shown that this missense change does not substantially affect PSAT1 function (PMID: 32077105). In summary, the available evidence is currently insufficient to determine the role of this variant in disease. Therefore, it has been classified as a Variant of Uncertain Significance.

Dudley Research Group, Pacific Northwest Research Institute
No classification provided. Review status: no classification provided. Collection method: research, in vivo. Allele origin: unknown, not applicable. Functional consequence: functionally_normal. Not counted in ClinVar's aggregate classification.

Literature cited by the submitters: PubMed 32077105 (cited by Labcorp Genetics (formerly Invitae), Labcorp).

NM_058179.4(PSAT1):c.334G>T (p.Ala112Ser)

Gene: PSAT1 (phosphoserine aminotransferase 1; plus strand). Cytogenetic location: 9q21.2.
Variant type: single nucleotide variant.
Coding change: c.334G>T on transcript NM_058179.4 (MANE Select); coding-DNA position 334, G replaced by T.
Protein change: p.Ala112Ser; replaces alanine 112 with serine.
Molecular consequence: missense variant.
Genome position (GRCh38, 1-based): chr9:78,304,877, G>T. VCF-style: chr9-78304877-G-T. GRCh37 (hg19) VCF-style: chr9-80919793-G-T.
Other names: c.334G>T, p.Ala112Ser (NM_021154.5); short protein forms A112S.
Identifiers: ClinVar variation 976940 (VCV000976940.8), dbSNP rs753859574, ClinGen allele CA5095582.